The following is an entry in ClinVar:

NM_001099922.3(ALG13):c.1501-5T>C

Gene: ALG13 (ALG13 UDP-N-acetylglucosaminyltransferase subunit; plus strand). Cytogenetic location: Xq23.
Variant type: single nucleotide variant.
Coding change: c.1501-5T>C on transcript NM_001099922.3 (MANE Select); 5 bases into the intron before coding-DNA position 1501, T replaced by C.
Molecular consequence: intron variant.
Genome position (GRCh38, 1-based): chrX:111,723,793, T>C. VCF-style: chrX-111723793-T-C. GRCh37 (hg19) VCF-style: chrX-110967021-T-C.
Other names: c.1189-5T>C (NM_001257237.2, NM_001257234.2, NM_001257230.2); c.1015-5T>C (NM_001324293.1); c.1267-5T>C (NM_001257231.2); c.1501-5T>C (NM_001324292.2).
Identifiers: ClinVar variation 2001169 (VCV002001169.4), dbSNP rs2525861258, ClinGen allele CA2580100219.

ClinVar aggregate classification (germline): Uncertain significance (1 of 4 stars; one submission).

Conditions:
Developmental and epileptic encephalopathy, 36 (DEE36). Also called: Epileptic encephalopathy, early infantile, 36; Congenital disorder of glycosylation, type Is; ALG13-CDG. Identifiers: Orphanet 324422, MedGen C4317295, MONDO:0010472, OMIM 300884.

Submission:

Labcorp Genetics (formerly Invitae), Labcorp
Classification: Uncertain significance for Developmental and epileptic encephalopathy, 36. Last evaluated: 2023-08-10. Review status: criteria provided, single submitter. Criteria: Invitae Variant Classification Sherloc (09022015). Collection method: clinical testing. Allele origin: germline.
Comment: In summary, the available evidence is currently insufficient to determine the role of this variant in disease. Therefore, it has been classified as a Variant of Uncertain Significance. This sequence change falls in intron 13 of the ALG13 gene. It does not directly change the encoded amino acid sequence of the ALG13 protein. This variant is not present in population databases (gnomAD no frequency). This variant has not been reported in the literature in individuals affected with ALG13-related conditions. ClinVar contains an entry for this variant (Variation ID: 2001169). Algorithms developed to predict the effect of sequence changes on RNA splicing suggest that this variant may disrupt the consensus splice site.